The following is an entry in ClinVar:

NM_173551.5(ANKS6):c.2233G>A (p.Gly745Arg)

Gene: ANKS6 (ankyrin repeat and sterile alpha motif domain containing 6; minus strand). Cytogenetic location: 9q22.33.
Variant type: single nucleotide variant.
Coding change: c.2233G>A on transcript NM_173551.5 (MANE Select); coding-DNA position 2233, G replaced by A.
Protein change: p.Gly745Arg; replaces glycine 745 with arginine.
Molecular consequence: missense variant.
Genome position (GRCh38, 1-based): chr9:98,756,513, C>T on the plus strand (G>A on the coding strand, the complement: ANKS6 is on the minus strand). VCF-style: chr9-98756513-C-T. GRCh37 (hg19) VCF-style: chr9-101518795-C-T.
Other names: short protein forms G745R.
Identifiers: ClinVar variation 582762 (VCV000582762.8), dbSNP rs202244716, ClinGen allele CA5153221.

ClinVar aggregate classification (germline): Uncertain significance. Review status: criteria provided, multiple submitters, no conflicts (2 of 4 stars). 2 submissions from 2 submitters: Uncertain significance (2). Last evaluated 2024-06-04.

Conditions:
Nephronophthisis 16 (NPHP16). Identifiers: Orphanet 655, MedGen C3809320, MONDO:0014158, OMIM 615382.

Allele frequency attached by ClinVar (database versions not stated): ExAC 0.00003; gnomAD exomes 0.00006 and 0.00019; gnomAD 0.00011; TOPMed 0.00015.

Submissions (2):

Fulgent Genetics
Classification: Uncertain significance for Nephronophthisis 16. Last evaluated: 2024-06-04. Review status: criteria provided, single submitter. Criteria: ACMG Guidelines, 2015. Collection method: clinical testing. Allele origin: germline.

Labcorp Genetics (formerly Invitae), Labcorp
Classification: Uncertain significance for Nephronophthisis 16. Last evaluated: 2021-08-26. Review status: criteria provided, single submitter. Criteria: Invitae Variant Classification Sherloc (09022015). Collection method: clinical testing. Allele origin: germline.
Comment: This sequence change replaces glycine with arginine at codon 745 of the ANKS6 protein (p.Gly745Arg). The glycine residue is moderately conserved and there is a moderate physicochemical difference between glycine and arginine. This variant is present in population databases (rs202244716, ExAC 0.01%). This variant has not been reported in the literature in individuals affected with ANKS6-related conditions. Algorithms developed to predict the effect of missense changes on protein structure and function are either unavailable or do not agree on the potential impact of this missense change (SIFT: "Tolerated"; PolyPhen-2: "Possibly Damaging"; Align-GVGD: "Class C0"). Algorithms developed to predict the effect of sequence changes on RNA splicing suggest that this variant may create or strengthen a splice site. In summary, the available evidence is currently insufficient to determine the role of this variant in disease. Therefore, it has been classified as a Variant of Uncertain Significance.